The following is an entry in ClinVar:

ClinVar aggregate classification (germline): Uncertain significance (1 of 4 stars; one submission).

Conditions:
Short QT syndrome type 3. Identifiers: Orphanet 51083, MedGen C1865018, MONDO:0012314, OMIM 609622.
Andersen Tawil syndrome (LQT7). Also called: Potassium-sensitive periodic paralysis, ventricular ectopy, and dysmorphic features; ANDERSEN CARDIODYSRHYTHMIC PERIODIC PARALYSIS; LONG QT SYNDROME 7; PERIODIC PARALYSIS, POTASSIUM-SENSITIVE CARDIODYSRHYTHMIC TYPE; Andersen Syndrome. Identifiers: Orphanet 37553, MedGen C1563715, MONDO:0008222, OMIM 170390.

Submission:

Labcorp Genetics (formerly Invitae), Labcorp
Classification: Uncertain significance for Short QT syndrome type 3; Andersen Tawil syndrome. Last evaluated: 2025-04-24. Review status: criteria provided, single submitter. Criteria: Invitae Variant Classification Sherloc (09022015). Collection method: clinical testing. Allele origin: germline.
Comment: This sequence change replaces isoleucine, which is neutral and non-polar, with valine, which is neutral and non-polar, at codon 406 of the KCNJ2 protein (p.Ile406Val). This variant is not present in population databases (gnomAD no frequency). This variant has not been reported in the literature in individuals affected with KCNJ2-related conditions. Invitae Evidence Modeling of protein sequence and biophysical properties (such as structural, functional, and spatial information, amino acid conservation, physicochemical variation, residue mobility, and thermodynamic stability) indicates that this missense variant is not expected to disrupt KCNJ2 protein function with a negative predictive value of 95%. In summary, the available evidence is currently insufficient to determine the role of this variant in disease. Therefore, it has been classified as a Variant of Uncertain Significance.

NM_000891.3(KCNJ2):c.1216A>G (p.Ile406Val)

Gene: KCNJ2 (potassium inwardly rectifying channel subfamily J member 2; plus strand). Cytogenetic location: 17q24.3.
Variant type: single nucleotide variant.
Coding change: c.1216A>G on transcript NM_000891.3 (MANE Select); coding-DNA position 1216, A replaced by G.
Protein change: p.Ile406Val; replaces isoleucine 406 with valine.
Molecular consequence: missense variant.
Genome position (GRCh38, 1-based): chr17:70,176,255, A>G. VCF-style: chr17-70176255-A-G. GRCh37 (hg19) VCF-style: chr17-68172396-A-G.
Other names: short protein forms I406V.
Identifiers: ClinVar variation 4783744 (VCV004783744.1).
Genomic context (GRCh38, chr17:70,176,255, plus strand): 5'-GAGGAAGACGACAGTGAAAATGGAGTTCCAGAAAGCACTAGTACGGACACGCCCCCTGAC[A>G]TAGACCTTCACAACCAGGCAAGTGTACCTCTAGAGCCCAGGCCCTTACGGCGAGAGTCGG-3'
Protein context (NP_000882.1, residues 396-416): ESTSTDTPPD[Ile406Val]DLHNQASVPL